The following is an entry in ClinVar:

ClinVar aggregate classification (germline): Uncertain significance. Review status: criteria provided, multiple submitters, no conflicts (2 of 4 stars). 3 submissions from 3 submitters: Uncertain significance (2). 1 of the submissions does not count toward it. Last evaluated 2026-05-01.

Conditions:
RFC1-related disorder. Also called: RFC1-Related Disorders; RFC1-related condition. Identifiers: MedGen CN382339.
Inborn genetic diseases. Identifiers: MedGen C0950123, MeSH D030342.

Allele frequency attached by ClinVar (database versions not stated): gnomAD 0.00007; gnomAD exomes 0.00007; ExAC 0.00009; TOPMed 0.00010; 1000 Genomes Project 30x 0.00047; 1000 Genomes Project 0.00060.
gnomAD v4.1: 109 of 1,614,172 alleles (0.0068%); highest among the groups gnomAD compares: East Asian, 0.23%; no homozygotes.

Submissions (3):

CeGaT Center for Human Genetics Tuebingen
Classification: Uncertain significance. Last evaluated: 2026-05-01. Review status: criteria provided, single submitter. Criteria: CeGaT Center For Human Genetics Tuebingen Variant Classification Criteria Version 2. Collection method: clinical testing. Allele origin: germline. Affected: yes. Observed: 1 variant allele.
Comment: RFC1: PM2, BP4

Ambry Genetics
Classification: Uncertain significance for Inborn genetic diseases. Last evaluated: 2022-06-30. Review status: criteria provided, single submitter. Criteria: Ambry Variant Classification Scheme 2023. Collection method: clinical testing. Allele origin: germline.

PreventionGenetics, part of Exact Sciences
Classification: Likely benign for RFC1-related condition. Last evaluated: 2022-03-15. Review status: no assertion criteria provided. Collection method: clinical testing. Allele origin: germline. Not counted in ClinVar's aggregate classification.
Comment: This variant is classified as likely benign based on ACMG/AMP sequence variant interpretation guidelines (Richards et al. 2015 PMID: 25741868, with internal and published modifications).

NM_002913.5(RFC1):c.1636A>G (p.Thr546Ala)

Gene: RFC1 (replication factor C subunit 1; minus strand). Cytogenetic location: 4p14.
Variant type: single nucleotide variant.
Coding change: c.1636A>G on transcript NM_002913.5 (MANE Select); coding-DNA position 1636, A replaced by G.
Protein change: p.Thr546Ala; replaces threonine 546 with alanine.
Molecular consequence: missense variant.
Genome position (GRCh38, 1-based): chr4:39,308,885, T>C on the plus strand (A>G on the coding strand, the complement: RFC1 is on the minus strand). VCF-style: chr4-39308885-T-C. GRCh37 (hg19) VCF-style: chr4-39310505-T-C.
Other names: c.1636A>G, p.Thr546Ala (NM_001204747.2); c.1558A>G, p.Thr520Ala (NM_001363495.2, NM_001363496.2); short protein forms T546A, T520A.
Identifiers: ClinVar variation 2402562 (VCV002402562.6), dbSNP rs183190812, ClinGen allele CA2893072.